The following is an entry in ClinVar:

ClinVar aggregate classification (germline): Uncertain significance. Review status: criteria provided, multiple submitters, no conflicts (2 of 4 stars). 3 submissions from 3 submitters: Uncertain significance (3). Last evaluated 2022-12-25.

Conditions:
Glycogen storage disease, type IV (GSD4). Also called: Glycogen storage disease due to glycogen branching enzyme deficiency; CIRRHOSIS, FAMILIAL, WITH DEPOSITION OF ABNORMAL GLYCOGEN; GBE1 DEFICIENCY; GLYCOGEN BRANCHING ENZYME DEFICIENCY; GLYCOGENOSIS IV; GSD IV. Identifiers: Orphanet 367, MedGen C0017923, MONDO:0009292, OMIM 232500.
Glycogen storage disease IV, classic hepatic. Also called: GSD IV, CLASSIC HEPATIC. Identifiers: MedGen C1856301.
Inborn genetic diseases. Identifiers: MedGen C0950123, MeSH D030342.

Allele frequency attached by ClinVar (database versions not stated): TOPMed below 0.00001; gnomAD 0.00002.
gnomAD v4.1: 3 of 1,600,838 alleles (0.00019%); highest among the groups gnomAD compares: Admixed American, 0.0035%; no homozygotes.

Submissions (3):

Baylor Genetics
Classification: Uncertain significance for Glycogen storage disease, type IV. Last evaluated: 2022-12-25. Review status: criteria provided, single submitter. Criteria: ACMG Guidelines, 2015. Collection method: clinical testing. Allele origin: unknown.

Labcorp Genetics (formerly Invitae), Labcorp
Classification: Uncertain significance for Glycogen storage disease, type IV; Glycogen storage disease IV, classic hepatic. Last evaluated: 2022-06-04. Review status: criteria provided, single submitter. Criteria: Invitae Variant Classification Sherloc (09022015). Collection method: clinical testing. Allele origin: germline.
Comment: This sequence change replaces alanine, which is neutral and non-polar, with threonine, which is neutral and polar, at codon 8 of the GBE1 protein (p.Ala8Thr). This variant is present in population databases (no rsID available, gnomAD 0.1%). This variant has not been reported in the literature in individuals affected with GBE1-related conditions. Advanced modeling of protein sequence and biophysical properties (such as structural, functional, and spatial information, amino acid conservation, physicochemical variation, residue mobility, and thermodynamic stability) performed at Invitae indicates that this missense variant is not expected to disrupt GBE1 protein function. In summary, the available evidence is currently insufficient to determine the role of this variant in disease. Therefore, it has been classified as a Variant of Uncertain Significance.

Ambry Genetics
Classification: Uncertain significance for Inborn genetic diseases. Last evaluated: 2021-06-22. Review status: criteria provided, single submitter. Criteria: Ambry Variant Classification Scheme 2023. Collection method: clinical testing. Allele origin: germline.

NM_000158.4(GBE1):c.22G>A (p.Ala8Thr)

Gene: GBE1 (1,4-alpha-glucan branching enzyme 1; minus strand). Cytogenetic location: 3p12.2.
Variant type: single nucleotide variant.
Coding change: c.22G>A on transcript NM_000158.4 (MANE Select); coding-DNA position 22, G replaced by A.
Protein change: p.Ala8Thr; replaces alanine 8 with threonine.
Molecular consequence: missense variant.
Genome position (GRCh38, 1-based): chr3:81,761,496, C>T on the plus strand (G>A on the coding strand, the complement: GBE1 is on the minus strand). VCF-style: chr3-81761496-C-T. GRCh37 (hg19) VCF-style: chr3-81810647-C-T.
Other names: c.22G>A (NM_000158.3); short protein forms A8T.
Identifiers: ClinVar variation 2172324 (VCV002172324.3), dbSNP rs1297879927, ClinGen allele CA353687077.